The following is an entry in ClinVar:

ClinVar aggregate classification (germline): Likely benign (1 of 4 stars; one submission).

gnomAD v4.1: 46 of 1,549,252 alleles (0.003%); highest among the groups gnomAD compares: Admixed American, 0.07%; no homozygotes.

Submission:

Mayo Clinic Laboratories, Mayo Clinic
Classification: Likely benign. Last evaluated: 2025-09-23. Review status: criteria provided, single submitter. Criteria: ACMG Guidelines, 2015. Collection method: clinical testing. Allele origin: germline. Observed: 1 variant allele.
Comment: BP4, BP7

NM_177939.3(P4HTM):c.354+7A>C

Gene: P4HTM (prolyl 4-hydroxylase, transmembrane; plus strand). Cytogenetic location: 3p21.31.
Variant type: single nucleotide variant.
Coding change: c.354+7A>C on transcript NM_177939.3 (MANE Select); 7 bases into the intron after coding-DNA position 354, A replaced by C.
Molecular consequence: intron variant.
Genome position (GRCh38, 1-based): chr3:48,990,617, A>C. VCF-style: chr3-48990617-A-C. GRCh37 (hg19) VCF-style: chr3-49028050-A-C.
Other names: p.?; c.354+7A>C (NM_177938.2).
Identifiers: ClinVar variation 4684702 (VCV004684702.1).